The following is an entry in ClinVar:

NM_000179.3(MSH6):c.2507A>G (p.Asn836Ser)

Gene: MSH6 (mutS homolog 6; plus strand). Cytogenetic location: 2p16.3.
Variant type: single nucleotide variant.
Coding change: c.2507A>G on transcript NM_000179.3 (MANE Select); coding-DNA position 2507, A replaced by G.
Protein change: p.Asn836Ser; replaces asparagine 836 with serine.
Molecular consequence: missense variant.
Genome position (GRCh38, 1-based): chr2:47,800,490, A>G. VCF-style: chr2-47800490-A-G. GRCh37 (hg19) VCF-style: chr2-48027629-A-G.
Other names: c.2117A>G, p.Asn706Ser (NM_001281492.2); c.1601A>G, p.Asn534Ser (NM_001281493.2, NM_001281494.2, NM_001406811.1 and 6 more transcripts); c.2603A>G, p.Asn868Ser (NM_001406795.1, NM_001406802.1); c.2507A>G, p.Asn836Ser (NM_001406796.1, NM_001406798.1, NM_001406800.1 and 2 more transcripts); c.2210A>G, p.Asn737Ser (NM_001406797.1, NM_001406801.1, NM_001406805.1 and 10 more transcripts); c.1982A>G, p.Asn661Ser (NM_001406799.1, NM_001406806.1, NM_001406807.1); c.2429A>G, p.Asn810Ser (NM_001406804.1); c.2513A>G, p.Asn838Ser (NM_001406813.1); and 1 more; short protein forms N780S, N810S, N836S, N706S, N534S, N661S, N737S, N838S.
Identifiers: ClinVar variation 1792324 (VCV001792324.5), dbSNP rs2104410125, ClinGen allele CA346754278.
Genomic context (GRCh38, chr2:47,800,490, plus strand): 5'-CAGATCTTGAGAGGCTACTCAGTAAAATTCATAATGTTGGGTCTCCCCTGAAGAGTCAGA[A>G]CCACCCAGACAGCAGGGCTATAATGTATGAAGAAACTACATACAGCAAGAAGAAGATTAT-3'
Protein context (NP_000170.1, residues 826-846): HNVGSPLKSQ[Asn836Ser]HPDSRAIMYE

ClinVar aggregate classification (germline): Uncertain significance. Review status: criteria provided, multiple submitters, no conflicts (2 of 4 stars). 3 submissions from 3 submitters: Uncertain significance (3). Last evaluated 2024-04-30.

Conditions:
Hereditary cancer-predisposing syndrome. Also called: Hereditary Cancer Syndrome; Hereditary neoplastic syndrome; Tumor predisposition; Neoplastic Syndromes, Hereditary. Identifiers: Orphanet 140162, MedGen C0027672, MeSH D009386, MONDO:0015356.
Hereditary nonpolyposis colorectal neoplasms. Identifiers: MedGen C0009405, MeSH D003123.
Endometrial carcinoma. Also called: Endometrial carcinoma, somatic. Identifiers: MedGen C0476089, MONDO:0002447, OMIM 608089, HP:0012114.

Submissions (3):

Labcorp Genetics (formerly Invitae), Labcorp
Classification: Uncertain significance for Hereditary nonpolyposis colorectal neoplasms. Last evaluated: 2024-04-30. Review status: criteria provided, single submitter. Criteria: Invitae Variant Classification Sherloc (09022015). Collection method: clinical testing. Allele origin: germline.
Comment: This sequence change replaces asparagine, which is neutral and polar, with serine, which is neutral and polar, at codon 836 of the MSH6 protein (p.Asn836Ser). This variant is not present in population databases (gnomAD no frequency). This variant has not been reported in the literature in individuals affected with MSH6-related conditions. ClinVar contains an entry for this variant (Variation ID: 1792324). Advanced modeling of protein sequence and biophysical properties (such as structural, functional, and spatial information, amino acid conservation, physicochemical variation, residue mobility, and thermodynamic stability) performed at Invitae indicates that this missense variant is not expected to disrupt MSH6 protein function with a negative predictive value of 95%. In summary, the available evidence is currently insufficient to determine the role of this variant in disease. Therefore, it has been classified as a Variant of Uncertain Significance.

Baylor Genetics
Classification: Uncertain significance for Endometrial carcinoma. Last evaluated: 2024-02-14. Review status: criteria provided, single submitter. Criteria: ACMG Guidelines, 2015. Collection method: clinical testing. Allele origin: unknown.

Ambry Genetics
Classification: Uncertain significance for Hereditary cancer-predisposing syndrome. Last evaluated: 2022-05-23. Review status: criteria provided, single submitter. Criteria: Ambry Variant Classification Scheme 2023. Collection method: clinical testing. Allele origin: germline.
Comment: The p.N836S variant (also known as c.2507A>G), located in coding exon 4 of the MSH6 gene, results from an A to G substitution at nucleotide position 2507. The asparagine at codon 836 is replaced by serine, an amino acid with highly similar properties. This amino acid position is not well conserved in available vertebrate species. In addition, this alteration is predicted to be tolerated by in silico analysis. Since supporting evidence is limited at this time, the clinical significance of this alteration remains unclear.